The following is an entry in ClinVar:

ClinVar aggregate classification (germline): Conflicting classifications of pathogenicity. Review status: criteria provided, conflicting classifications (1 of 4 stars). 4 submissions from 4 submitters: Uncertain significance (3); Likely benign (1). Last evaluated 2023-10-13.

Allele frequency attached by ClinVar (database versions not stated): ExAC 0.00002; gnomAD exomes 0.00003 and 0.00005; gnomAD 0.00017 and 0.00018; TOPMed 0.00017; 1000 Genomes Project 30x 0.00031; 1000 Genomes Project 0.00040.
gnomAD v4.1: 87 of 1,614,056 alleles (0.0054%); highest among the groups gnomAD compares: African/African-American, 0.085%; no homozygotes.

Submissions (4):

GeneDx
Classification: Uncertain significance. Last evaluated: 2023-10-13. Review status: criteria provided, single submitter. Criteria: GeneDx Variant Classification Process June 2021. Collection method: clinical testing. Allele origin: germline. Affected: yes.
Comment: In silico analysis supports that this missense variant does not alter protein structure/function; Has not been previously published as pathogenic or benign to our knowledge

Ambry Genetics
Classification: Likely benign. Last evaluated: 2022-02-02. Review status: criteria provided, single submitter. Criteria: Ambry Variant Classification Scheme 2023. Collection method: clinical testing. Allele origin: germline.

Women's Health and Genetics/Laboratory Corporation of America, LabCorp
Classification: Uncertain significance. Last evaluated: 2020-09-21. Review status: criteria provided, single submitter. Criteria: LabCorp Variant Classification Summary - May 2015. Collection method: clinical testing. Allele origin: germline.
Comment: Variant summary: KIAA1033 c.3286G>A (p.Ala1096Thr) results in a non-conservative amino acid change located in the WASH complex subunit 7, C-terminal domain (IPR028283) of the encoded protein sequence. Four of five in-silico tools predict a benign effect of the variant on protein function. The variant allele was found at a frequency of 6.1e-05 in 280666 control chromosomes (gnomAD). To our knowledge, no occurrence of c.3286G>A in individuals affected with Mental Retardation, Autosomal Recessive 43 and no experimental evidence demonstrating its impact on protein function have been reported. One clinical diagnostic laboratory has submitted clinical-significance assessments for this variant to ClinVar after 2014 without evidence for independent evaluation and classified the variant as uncertain significance. Based on the evidence outlined above, the variant was classified as uncertain significance.

Genetic Services Laboratory, University of Chicago
Classification: Uncertain significance. Last evaluated: 2015-11-05. Review status: criteria provided, single submitter. Criteria: ACMG Guidelines, 2015. Collection method: clinical testing. Allele origin: germline. Affected: no.

NM_015275.3(WASHC4):c.3286G>A (p.Ala1096Thr)

Gene: WASHC4 (WASH complex subunit 4; plus strand). Cytogenetic location: 12q23.3.
Variant type: single nucleotide variant.
Coding change: c.3286G>A on transcript NM_015275.3 (MANE Select); coding-DNA position 3286, G replaced by A.
Protein change: p.Ala1096Thr; replaces alanine 1096 with threonine.
Molecular consequence: missense variant.
Genome position (GRCh38, 1-based): chr12:105,164,239, G>A. VCF-style: chr12-105164239-G-A. GRCh37 (hg19) VCF-style: chr12-105558017-G-A.
Other names: c.3289G>A, p.Ala1097Thr (NM_001293640.2); c.3286G>A (NM_015275.1); short protein forms A1096T, A1097T.
Identifiers: ClinVar variation 435589 (VCV000435589.9), dbSNP rs113168943, ClinGen allele CA6759204.